The following is an entry in ClinVar:

NM_003640.5(ELP1):c.1361-2A>G

Gene: ELP1 (elongator acetyltransferase complex subunit 1; minus strand). Cytogenetic location: 9q31.3.
Variant type: single nucleotide variant.
Coding change: c.1361-2A>G on transcript NM_003640.5 (MANE Select); the canonical splice acceptor site of the intron before coding-DNA position 1361, A replaced by G.
Molecular consequence: splice acceptor variant.
Genome position (GRCh38, 1-based): chr9:108,908,406, T>C on the plus strand (A>G on the coding strand, the complement: ELP1 is on the minus strand). VCF-style: chr9-108908406-T-C. GRCh37 (hg19) VCF-style: chr9-111670686-T-C.
Other names: c.1019-2A>G (NM_001318360.2); c.314-2A>G (NM_001330749.2); c.1361-2A>G (NM_003640.4).
Identifiers: ClinVar variation 3631783 (VCV003631783.4).

ClinVar aggregate classification (germline): Pathogenic/Likely pathogenic. Review status: criteria provided, multiple submitters, no conflicts (2 of 4 stars). 3 submissions from 3 submitters: Pathogenic (1); Likely pathogenic (2). Last evaluated 2024-08-15.

Conditions:
Familial dysautonomia. Also called: FD; HSAN III. Identifiers: Orphanet 1764, MedGen C0013364, MONDO:0009131, OMIM 223900. Disease mechanism: loss of function.
ELP1-Associated Medulloblastoma. Identifiers: MedGen C5670652.

gnomAD v4.1: 1 of 1,611,974 alleles (0.000062%); highest among the groups gnomAD compares: Non-Finnish European, 0.000085%; no homozygotes.

Submissions (3):

Labcorp Genetics (formerly Invitae), Labcorp
Classification: Pathogenic. Last evaluated: 2024-08-15. Review status: criteria provided, single submitter. Criteria: Invitae Variant Classification Sherloc (09022015). Collection method: clinical testing. Allele origin: germline.
Comment: This sequence change affects an acceptor splice site in intron 12 of the ELP1 gene. It is expected to disrupt RNA splicing. Variants that disrupt the donor or acceptor splice site typically lead to a loss of protein function (PMID: 16199547), and loss-of-function variants in ELP1 are known to be pathogenic (PMID: 18303054, 24173031). This variant is not present in population databases (gnomAD no frequency). Disruption of this splice site has been observed in individual(s) with clinical features of ELP1-related conditions (Invitae). In at least one individual the data is consistent with being in trans (on the opposite chromosome) from a pathogenic variant. Algorithms developed to predict the effect of sequence changes on RNA splicing suggest that this variant may disrupt the consensus splice site. For these reasons, this variant has been classified as Pathogenic.

Natera, Inc.
Classification: Likely pathogenic for Familial dysautonomia. Last evaluated: 2024-03-05. Review status: criteria provided, single submitter. Criteria: Natera Variant Classification Schema (03/2026). Collection method: clinical testing. Allele origin: germline.
Comment: The c.1361-2A>G variant in ELP1 is a canonical splice acceptor site variant predicted to affect pre-mRNA splicing, which may result in an abnormal transcript and altered protein product. This variant is expected to result in nonsense mediated decay, truncation, or a dysfunctional protein product. This variant is rare in the general population with a frequency below the threshold expected for the associated phenotype(s). Given the available evidence, this variant is classified as Likely Pathogenic.

Institute for Genomic Medicine (IGM) Clinical Laboratory, Nationwide Children's Hospital
Classification: Likely pathogenic for ELP1-Associated Medulloblastoma. Last evaluated: 2023-12-06. Review status: criteria provided, single submitter. Criteria: ACMG Guidelines, 2015. Collection method: clinical testing. Allele origin: germline.
Comment: This variant is predicted to result in loss of function through nonsense-mediated decay of the encoded transcript or premature truncation of the encoded protein in a gene in which loss of function is a known mechanism of disease (ACMG/AMP: PVS1; PMID:32296180). This variant is absent from or present at an exceedingly low frequency in gnomAD, a large-scale control population database (ACMG/AMP: PM2).

Literature cited by the submitters: PubMed 16199547 (cited by Labcorp Genetics (formerly Invitae), Labcorp); PubMed 18303054 (cited by Labcorp Genetics (formerly Invitae), Labcorp); PubMed 24173031 (cited by Labcorp Genetics (formerly Invitae), Labcorp); PubMed 32296180 (cited by Institute for Genomic Medicine (IGM) Clinical Laboratory, Nationwide Children's Hospital).